The following is an entry in ClinVar:

NM_003839.4(TNFRSF11A):c.1822G>T (p.Val608Leu)

Gene: TNFRSF11A (TNF receptor superfamily member 11a; plus strand). Cytogenetic location: 18q21.33.
Variant type: single nucleotide variant.
Coding change: c.1822G>T on transcript NM_003839.4 (MANE Select); coding-DNA position 1822, G replaced by T.
Protein change: p.Val608Leu; replaces valine 608 with leucine.
Molecular consequence: missense variant. On other transcripts: 3 prime UTR variant (1).
Genome position (GRCh38, 1-based): chr18:62,385,005, G>T. VCF-style: chr18-62385005-G-T. GRCh37 (hg19) VCF-style: chr18-60052238-G-T.
Other names: c.*246G>T (NM_001270949.2); c.985G>T, p.Val329Leu (NM_001270950.2); c.871G>T, p.Val291Leu (NM_001270951.2); c.1780G>T, p.Val594Leu (NM_001278268.2); short protein forms V329L, V291L, V594L, V608L.
Identifiers: ClinVar variation 1939211 (VCV001939211.5), dbSNP rs772167170, ClinGen allele CA402621782.
Genomic context (GRCh38, chr18:62,385,005, plus strand): 5'-TTCCCGGACCCGTGCGGCGGCCCCGAGGGGCTGCGGGAGCCGGAGAAGGCCTCGAGGCCG[G>T]TGCAGGAGCAAGGCGGGGCCAAGGCTTGAGCGCCCCCCATGGCTGGGAGCCCGAAGCTCG-3'
Protein context (NP_003830.1, residues 598-616): LREPEKASRP[Val608Leu]QEQGGAKA

ClinVar aggregate classification (germline): Uncertain significance (1 of 4 stars; one submission).

Allele frequency attached by ClinVar (database versions not stated): TOPMed 0.00002; gnomAD 0.00003.
gnomAD v4.1: 7 of 1,482,700 alleles (0.00047%); highest among the groups gnomAD compares: African/African-American, 0.0088%; no homozygotes.

Submission:

Labcorp Genetics (formerly Invitae), Labcorp
Classification: Uncertain significance. Last evaluated: 2025-03-17. Review status: criteria provided, single submitter. Criteria: Invitae Variant Classification Sherloc (09022015). Collection method: clinical testing. Allele origin: germline.
Comment: This sequence change replaces valine, which is neutral and non-polar, with leucine, which is neutral and non-polar, at codon 608 of the TNFRSF11A protein (p.Val608Leu). This variant is present in population databases (no rsID available, gnomAD 0.01%). This variant has not been reported in the literature in individuals affected with TNFRSF11A-related conditions. ClinVar contains an entry for this variant (Variation ID: 1939211). An algorithm developed to predict the effect of missense changes on protein structure and function (PolyPhen-2) suggests that this variant is likely to be tolerated. In summary, the available evidence is currently insufficient to determine the role of this variant in disease. Therefore, it has been classified as a Variant of Uncertain Significance.